The following is an entry in ClinVar:

NM_000138.5(FBN1):c.3464-5G>A

Gene: FBN1 (fibrillin 1; minus strand). Cytogenetic location: 15q21.1.
Variant type: single nucleotide variant.
Coding change: c.3464-5G>A on transcript NM_000138.5 (MANE Select); 5 bases into the intron before coding-DNA position 3464, G replaced by A.
Molecular consequence: intron variant.
Genome position (GRCh38, 1-based): chr15:48,487,205, C>T on the plus strand (G>A on the coding strand, the complement: FBN1 is on the minus strand). VCF-style: chr15-48487205-C-T. GRCh37 (hg19) VCF-style: chr15-48779402-C-T.
Other names: p.?.
Identifiers: ClinVar variation 137305 (VCV000137305.52), dbSNP rs11853943, ClinGen allele CA014167.

ClinVar aggregate classification (germline): Benign. Review status: criteria provided, multiple submitters, no conflicts (2 of 4 stars). 25 submissions from 19 submitters: Benign (22). 3 of the submissions do not count toward it. Last evaluated 2026-02-04.

Conditions:
Connective tissue disorder. Also called: Connective tissue disease. Identifiers: MedGen C0009782, MONDO:0003900.
Geleophysic dysplasia. Identifiers: Orphanet 2623, MedGen C3489726, MONDO:0000127.
Weill-Marchesani syndrome. Also called: WM Syndrome; Mesodermal dysmorphodystrophy congenital. Identifiers: Orphanet 3449, MedGen C0265313, MONDO:0018096.
Marfan syndrome (MFS). Also called: FBN1-Related Marfan Syndrome; MARFAN SYNDROME, TYPE I; Marfan syndrome, classic; Marfan syndrome type 1; Marfan's syndrome. Identifiers: Orphanet 284963, Orphanet 558, MedGen C0024796, MONDO:0007947, OMIM 154700.
Familial thoracic aortic aneurysm and aortic dissection (TAAD). Also called: Thoracic aortic aneurysms and dissections. Identifiers: Orphanet 91387, MedGen C4707243, MONDO:0019625.
Acromicric dysplasia (ACMICD). Also called: Acromicric skeletal dysplasia. Identifiers: Orphanet 969, MedGen C0265287, MONDO:0007055, OMIM 102370.
Stiff skin syndrome (SSKS). Identifiers: Orphanet 2833, MedGen C1861456, MONDO:0008492, OMIM 184900.
Ectopia lentis 1, isolated, autosomal dominant (ECTOL1). Identifiers: Orphanet 1885, MedGen C3541518, MONDO:0007514, OMIM 129600.

Allele frequency attached by ClinVar (database versions not stated): gnomAD 0.16287 and 0.16417; gnomAD exomes 0.16866 and 0.15479; ExAC 0.17090; ESP Exome Variant Server 0.14868; TOPMed 0.16480; 1000 Genomes Project 0.19649; 1000 Genomes Project 30x 0.19503.
gnomAD v4.1: 251,410 of 1,613,816 alleles (16%); highest among the groups gnomAD compares: East Asian, 39%; 21,807 homozygotes.

Submissions (25):

Labcorp Genetics (formerly Invitae), Labcorp
Classification: Benign for Marfan syndrome; Familial thoracic aortic aneurysm and aortic dissection. Last evaluated: 2026-02-04. Review status: criteria provided, single submitter. Criteria: Invitae Variant Classification Sherloc (09022015). Collection method: clinical testing. Allele origin: germline.

ARUP Laboratories, Molecular Genetics and Genomics, ARUP Laboratories
Classification: Benign. Last evaluated: 2025-07-31. Review status: criteria provided, single submitter. Criteria: ARUP Molecular Germline Variant Investigation Process 2024. Collection method: clinical testing. Allele origin: germline.

Molecular Diagnostic Laboratory for Inherited Cardiovascular Disease, Montreal Heart Institute
Classification: Benign. Last evaluated: 2025-04-09. Review status: criteria provided, single submitter. Criteria: ACMG Guidelines, 2015. Collection method: clinical testing. Allele origin: germline. Affected: no.

Blueprint Genetics
Classification: Benign. Last evaluated: 2024-11-27. Review status: criteria provided, single submitter. Criteria: ACMG Guidelines, 2015. Collection method: clinical testing. Allele origin: germline.

Unidad de Genómica Garrahan, Hospital de Pediatría Garrahan
Classification: Benign. Last evaluated: 2024-01-24. Review status: criteria provided, single submitter. Criteria: ACMG Guidelines, 2015. Collection method: clinical testing. Allele origin: germline. Affected: no. Observed: 22 variant alleles.
Comment: This variant is classified as Benign based on local population frequency. This variant was detected in 25% of patients studied by a panel of primary immunodeficiencies. Number of patients: 22. Only high quality variants are reported.

Genome Diagnostics Laboratory, The Hospital for Sick Children
Classification: Benign for Connective tissue disorder. Last evaluated: 2022-07-14. Review status: criteria provided, single submitter. Criteria: ACMG Guidelines, 2015. Collection method: clinical testing. Allele origin: germline.

CHEO Genetics Diagnostic Laboratory, Children's Hospital of Eastern Ontario
Classification: Benign for Familial thoracic aortic aneurysm and aortic dissection. Last evaluated: 2018-04-17. Review status: criteria provided, single submitter. Criteria: ACMG Guidelines, 2015. Collection method: clinical testing. Allele origin: germline.

Color Diagnostics, LLC DBA Color Health
Classification: Benign for Familial thoracic aortic aneurysm and aortic dissection. Last evaluated: 2018-03-09. Review status: criteria provided, single submitter. Criteria: ACMG Guidelines, 2015. Collection method: clinical testing. Allele origin: germline.

Illumina Laboratory Services, Illumina
Classification: Benign for Familial thoracic aortic aneurysm and aortic dissection. Last evaluated: 2018-01-12. Review status: criteria provided, single submitter. Criteria: ICSL Variant Classification Criteria 13 December 2019. Collection method: clinical testing. Allele origin: germline.
Comment: This variant was observed in the ICSL laboratory as part of a predisposition screen in an ostensibly healthy population. It had not been previously curated by ICSL or reported in the Human Gene Mutation Database (HGMD: prior to June 1st, 2018), and was therefore a candidate for classification through an automated scoring system. Utilizing variant allele frequency, disease prevalence and penetrance estimates, and inheritance mode, an automated score was calculated to assess if this variant is too frequent to cause the disease. Based on the score and internal cut-off values, a variant classified as benign is not then subjected to further curation. The score for this variant resulted in a classification of benign for this disease.

Illumina Laboratory Services, Illumina
Classification: Benign for Acromicric dysplasia. Last evaluated: 2018-01-12. Review status: criteria provided, single submitter. Criteria: ICSL Variant Classification Criteria 13 December 2019. Collection method: clinical testing. Allele origin: germline.
Comment: the same text as in the submission from Illumina Laboratory Services, Illumina above.

Illumina Laboratory Services, Illumina
Classification: Benign for Geleophysic dysplasia. Last evaluated: 2018-01-12. Review status: criteria provided, single submitter. Criteria: ICSL Variant Classification Criteria 13 December 2019. Collection method: clinical testing. Allele origin: germline.
Comment: the same text as in the submission from Illumina Laboratory Services, Illumina above.

Illumina Laboratory Services, Illumina
Classification: Benign for Weill-Marchesani syndrome. Last evaluated: 2018-01-12. Review status: criteria provided, single submitter. Criteria: ICSL Variant Classification Criteria 13 December 2019. Collection method: clinical testing. Allele origin: germline.
Comment: the same text as in the submission from Illumina Laboratory Services, Illumina above.

Illumina Laboratory Services, Illumina
Classification: Benign for Marfan syndrome. Last evaluated: 2018-01-12. Review status: criteria provided, single submitter. Criteria: ICSL Variant Classification Criteria 13 December 2019. Collection method: clinical testing. Allele origin: germline.
Comment: the same text as in the submission from Illumina Laboratory Services, Illumina above.

Illumina Laboratory Services, Illumina
Classification: Benign for Ectopia lentis 1, isolated, autosomal dominant. Last evaluated: 2018-01-12. Review status: criteria provided, single submitter. Criteria: ICSL Variant Classification Criteria 13 December 2019. Collection method: clinical testing. Allele origin: germline.
Comment: the same text as in the submission from Illumina Laboratory Services, Illumina above.

Illumina Laboratory Services, Illumina
Classification: Benign for Stiff skin syndrome. Last evaluated: 2018-01-12. Review status: criteria provided, single submitter. Criteria: ICSL Variant Classification Criteria 13 December 2019. Collection method: clinical testing. Allele origin: germline.
Comment: the same text as in the submission from Illumina Laboratory Services, Illumina above.

Eurofins Ntd Llc (ga)
Classification: Benign. Last evaluated: 2014-11-25. Review status: criteria provided, single submitter. Criteria: EGL Classification Definitions 2015. Collection method: clinical testing. Allele origin: germline. Observed: 5 variant alleles, 5 heterozygotes.

Ambry Genetics
Classification: Benign for Familial thoracic aortic aneurysm and aortic dissection. Last evaluated: 2014-11-24. Review status: criteria provided, single submitter. Criteria: Ambry Variant Classification Scheme 2023. Collection method: clinical testing. Allele origin: germline.

Mayo Clinic Laboratories, Mayo Clinic
Classification: Benign. Last evaluated: 2014-01-29. Review status: criteria provided, single submitter. Criteria: ACMG Guidelines, 2015. Collection method: clinical testing. Allele origin: germline. Observed: 549 variant alleles.

GeneDx
Classification: Benign. Last evaluated: 2012-11-13. Review status: criteria provided, single submitter. Criteria: GeneDx Variant Classification (06012015). Collection method: clinical testing. Allele origin: germline. Affected: yes.
Comment: This variant is considered likely benign or benign based on one or more of the following criteria: it is a conservative change, it occurs at a poorly conserved position in the protein, it is predicted to be benign by multiple in silico algorithms, and/or has population frequency not consistent with disease.

Laboratory for Molecular Medicine, Mass General Brigham Personalized Medicine
Classification: Benign. Last evaluated: 2007-03-16. Review status: criteria provided, single submitter. Criteria: LMM Criteria. Collection method: clinical testing. Allele origin: germline. Observed: 172 variant alleles.

Breakthrough Genomics
Classification: Benign. Review status: criteria provided, single submitter. Criteria: ACMG Guidelines, 2015. Collection method: not provided. Allele origin: germline. Inheritance: Autosomal dominant inheritance. Affected: yes.

PreventionGenetics, part of Exact Sciences
Classification: Benign. Review status: criteria provided, single submitter. Criteria: ACMG Guidelines, 2015. Collection method: clinical testing. Allele origin: germline.

Cohesion Phenomics
Classification: Benign for Marfan syndrome. Last evaluated: 2022-09-23. Review status: no assertion criteria provided. Criteria: ACMG Guidelines, 2015. Collection method: clinical testing. Allele origin: germline. Affected: yes. Not counted in ClinVar's aggregate classification.

Clinical Genetics DNA and cytogenetics Diagnostics Lab, Erasmus MC, Erasmus Medical Center
Classification: Benign. Review status: no assertion criteria provided. Collection method: clinical testing. Allele origin: germline. Affected: yes. Study: VKGL Data-share Consensus. Not counted in ClinVar's aggregate classification.

Genome Diagnostics Laboratory, Amsterdam University Medical Center
Classification: Benign. Review status: no assertion criteria provided. Collection method: clinical testing. Allele origin: germline. Affected: yes. Study: VKGL Data-share Consensus. Not counted in ClinVar's aggregate classification.